The following is an entry in ClinVar:

ClinVar aggregate classification (germline): Pathogenic/Likely pathogenic. Review status: criteria provided, multiple submitters, no conflicts (2 of 4 stars). 3 submissions from 3 submitters: Pathogenic (1); Likely pathogenic (2). Last evaluated 2025-02-14.

Conditions:
Charcot-Marie-Tooth disease axonal type 2V. Also called: CHARCOT-MARIE-TOOTH NEUROPATHY, TYPE 2V; CHARCOT-MARIE-TOOTH DISEASE, AXONAL, AUTOSOMAL DOMINANT, TYPE 2V. Identifiers: Orphanet 447964, MedGen C5569050, MONDO:0014665, OMIM 616491.
Mucopolysaccharidosis, MPS-III-B (MPS3B). Also called: N-ACETYL-ALPHA-D-GLUCOSAMINIDASE DEFICIENCY; NAGLU DEFICIENCY; SANFILIPPO SYNDROME B; MPS III B; Mucopolysaccharidosis type IIIB (Sanfilippo B); MUCOPOLYSACCHARIDOSIS, TYPE IIIB. Identifiers: Orphanet 79270, MedGen C0086648, MONDO:0009656, OMIM 252920.

Submissions (3):

Natera, Inc.
Classification: Likely pathogenic for Mucopolysaccharidosis type IIIB. Last evaluated: 2025-02-14. Review status: criteria provided, single submitter. Criteria: Natera Variant Classification Schema (03/2026). Collection method: clinical testing. Allele origin: germline.
Comment: The c.1238del variant in NAGLU is a frameshift variant predicted to shift the reading frame beginning at codon 413 and leads to a stop codon 8 codons downstream. This variant is expected to result in nonsense mediated decay, truncation, or a dysfunctional protein product. This variant is rare in the general population with a frequency below the threshold expected for the associated phenotype(s). Given the available evidence, this variant is classified as Likely Pathogenic.

Fulgent Genetics
Classification: Likely pathogenic for Mucopolysaccharidosis, MPS-III-B; Charcot-Marie-Tooth disease axonal type 2V. Last evaluated: 2024-01-06. Review status: criteria provided, single submitter. Criteria: ACMG Guidelines, 2015. Collection method: clinical testing. Allele origin: germline.

Labcorp Genetics (formerly Invitae), Labcorp
Classification: Pathogenic for Charcot-Marie-Tooth disease axonal type 2V; Mucopolysaccharidosis, MPS-III-B. Last evaluated: 2023-12-12. Review status: criteria provided, single submitter. Criteria: Invitae Variant Classification Sherloc (09022015). Collection method: clinical testing. Allele origin: germline.
Comment: This sequence change creates a premature translational stop signal (p.Asn413Thrfs*8) in the NAGLU gene. While this is not anticipated to result in nonsense mediated decay, it is expected to disrupt the last 331 amino acid(s) of the NAGLU protein. This variant is not present in population databases (gnomAD no frequency). This variant has not been reported in the literature in individuals affected with NAGLU-related conditions. This variant disrupts a region of the NAGLU protein in which other variant(s) (p.Gln706*) have been determined to be pathogenic (PMID: 9443875, 29661560; Invitae). This suggests that this is a clinically significant region of the protein, and that variants that disrupt it are likely to be disease-causing. For these reasons, this variant has been classified as Pathogenic.

Literature cited by the submitters: PubMed 9443875 (cited by Labcorp Genetics (formerly Invitae), Labcorp); PubMed 29661560 (cited by Labcorp Genetics (formerly Invitae), Labcorp).

NM_000263.4(NAGLU):c.1238del (p.Asn413fs)

Gene: NAGLU (N-acetyl-alpha-glucosaminidase; plus strand). Cytogenetic location: 17q21.2.
Variant type: Deletion.
Coding change: c.1238del on transcript NM_000263.4 (MANE Select); coding-DNA position 1238, one base deleted (A; older notation c.1238delA).
Protein change: p.Asn413fs; shifts the reading frame from asparagine 413.
Molecular consequence: frameshift variant.
Genome position (GRCh38, 1-based): chr17:42,543,244, A deleted; the last of 3 consecutive A bases (chr17:42,543,242-42,543,244); deleting any one gives the same sequence. VCF-style (leftmost placement, unchanged base first): chr17-42543241-GA-G. GRCh37 (hg19) VCF-style: chr17-40695259-GA-G.
Other names: c.1238del (NM_000263.3); short protein forms N413fs.
Identifiers: ClinVar variation 2921326 (VCV002921326.6), dbSNP rs2510659172, ClinGen allele CA2740095368.